The following is an entry in ClinVar:

ClinVar aggregate classification (germline): Likely benign. Review status: criteria provided, multiple submitters, no conflicts (2 of 4 stars). 2 submissions from 2 submitters: Likely benign (2). Last evaluated 2023-09-01.

Conditions:
Inborn genetic diseases. Identifiers: MedGen C0950123, MeSH D030342.

Allele frequency attached by ClinVar (database versions not stated): gnomAD 0.00012; ESP Exome Variant Server 0.00034; ExAC 0.00049.
gnomAD v4.1: 410 of 1,613,312 alleles (0.025%); highest among the groups gnomAD compares: Non-Finnish European, 0.031%; no homozygotes.

Submissions (2):

CeGaT Center for Human Genetics Tuebingen
Classification: Likely benign. Last evaluated: 2023-09-01. Review status: criteria provided, single submitter. Criteria: CeGaT Center For Human Genetics Tuebingen Variant Classification Criteria Version 2. Collection method: clinical testing. Allele origin: germline. Affected: yes. Observed: 1 variant allele.
Comment: ZNF292: BP4

Ambry Genetics
Classification: Likely benign for Inborn genetic diseases. Last evaluated: 2021-08-13. Review status: criteria provided, single submitter. Criteria: Ambry Variant Classification Scheme 2023. Collection method: clinical testing. Allele origin: germline.

NM_015021.3(ZNF292):c.6265A>C (p.Lys2089Gln)

Gene: ZNF292 (zinc finger protein 292; plus strand). Cytogenetic location: 6q14.3.
Variant type: single nucleotide variant.
Coding change: c.6265A>C on transcript NM_015021.3 (MANE Select); coding-DNA position 6265, A replaced by C.
Protein change: p.Lys2089Gln; replaces lysine 2089 with glutamine.
Molecular consequence: missense variant.
Genome position (GRCh38, 1-based): chr6:87,259,894, A>C. VCF-style: chr6-87259894-A-C. GRCh37 (hg19) VCF-style: chr6-87969612-A-C.
Other names: c.6265A>C (NM_015021.1); c.5845A>C, p.Lys1949Gln (NM_001351444.2); short protein forms K1949Q, K2089Q.
Identifiers: ClinVar variation 2656754 (VCV002656754.25), dbSNP rs201626407, ClinGen allele CA3914602.